The following is an entry in ClinVar:

ClinVar aggregate classification (germline): Conflicting classifications of pathogenicity. Review status: criteria provided, conflicting classifications (1 of 4 stars). 8 submissions from 8 submitters: Uncertain significance (1); Benign (1); Likely benign (6). Last evaluated 2025-12-01.

Conditions:
Hereditary spastic paraplegia 48. Also called: SPASTIC PARAPLEGIA 48, AUTOSOMAL RECESSIVE; Spastic paraplegia 48. Identifiers: Orphanet 306511, MedGen C3150901, MONDO:0013342, OMIM 613647.
Hereditary spastic paraplegia. Also called: Familial spastic paraparesis. Identifiers: Orphanet 685, MedGen C0037773, MONDO:0019064. Disease mechanism: loss of function.

Allele frequency attached by ClinVar (database versions not stated): 1000 Genomes Project 0.00040; 1000 Genomes Project 30x 0.00047; ExAC 0.00057; ESP Exome Variant Server 0.00063; gnomAD exomes 0.00063 and 0.00105; gnomAD 0.00087 and 0.00092; TOPMed 0.00106.
gnomAD v4.1: 1,612 of 1,550,636 alleles (0.1%); highest among the groups gnomAD compares: Non-Finnish European, 0.12%; 3 homozygotes.

Submissions (8):

CeGaT Center for Human Genetics Tuebingen
Classification: Likely benign. Last evaluated: 2025-12-01. Review status: criteria provided, single submitter. Criteria: CeGaT Center For Human Genetics Tuebingen Variant Classification Criteria Version 2. Collection method: clinical testing. Allele origin: germline. Affected: yes. Observed: 7 variant alleles.
Comment: AP5Z1: BP4, BP7

Labcorp Genetics (formerly Invitae), Labcorp
Classification: Likely benign for Hereditary spastic paraplegia 48. Last evaluated: 2025-10-21. Review status: criteria provided, single submitter. Criteria: Invitae Variant Classification Sherloc (09022015). Collection method: clinical testing. Allele origin: germline.

Mayo Clinic Laboratories, Mayo Clinic
Classification: Likely benign. Last evaluated: 2025-08-04. Review status: criteria provided, single submitter. Criteria: ACMG Guidelines, 2015. Collection method: clinical testing. Allele origin: germline. Observed: 6 variant alleles.
Comment: BS1, BP4, BP7

Blueprint Genetics
Classification: Likely benign. Last evaluated: 2024-11-05. Review status: criteria provided, single submitter. Criteria: ACMG Guidelines, 2015. Collection method: clinical testing. Allele origin: germline.

Athena Diagnostics
Classification: Benign. Last evaluated: 2021-01-15. Review status: criteria provided, single submitter. Criteria: Athena Diagnostics criteria. Collection method: clinical testing. Allele origin: unknown.

GeneDx
Classification: Likely benign. Last evaluated: 2019-01-03. Review status: criteria provided, single submitter. Criteria: GeneDx Variant Classification Process June 2021. Collection method: clinical testing. Allele origin: germline. Affected: yes.

Genome Diagnostics Laboratory, The Hospital for Sick Children
Classification: Likely benign for Hereditary spastic paraplegia. Last evaluated: 2018-12-01. Review status: criteria provided, single submitter. Criteria: ACMG Guidelines, 2015. Collection method: clinical testing. Allele origin: germline. Affected: yes.

Illumina Laboratory Services, Illumina
Classification: Uncertain significance for Hereditary spastic paraplegia 48. Last evaluated: 2018-01-13. Review status: criteria provided, single submitter. Criteria: ICSL Variant Classification Criteria 13 December 2019. Collection method: clinical testing. Allele origin: germline.

NM_014855.3(AP5Z1):c.558C>T (p.Tyr186=)

Gene: AP5Z1 (adaptor related protein complex 5 subunit zeta 1; plus strand). Cytogenetic location: 7p22.1.
Variant type: single nucleotide variant.
Coding change: c.558C>T on transcript NM_014855.3 (MANE Select); coding-DNA position 558, C replaced by T.
Protein change: p.Tyr186=; no amino-acid change (tyrosine 186 retained).
Molecular consequence: synonymous variant. On other transcripts: non-coding transcript variant (1).
Genome position (GRCh38, 1-based): chr7:4,783,735, C>T. VCF-style: chr7-4783735-C-T. GRCh37 (hg19) VCF-style: chr7-4823366-C-T.
Other names: p.Tyr186=; c.90C>T, p.Tyr30= (NM_001364858.1).
Identifiers: ClinVar variation 695581 (VCV000695581.46), dbSNP rs371534878, ClinGen allele CA4137265.
Genomic context (GRCh38, chr7:4,783,735, plus strand): 5'-CCCACCCACTGCAGACCAGGCCACCCTGCTCAGCAAGCGGCTGGTCGACTGGCTGCGCTA[C>T]GCCAGCCTCCAGCAAGGGCTCCCACACTCCGGCGGCTTCTTCTCCACGCCCAGGGCCCGG-3'
Protein context (NP_055670.1, residues 176-196): LSKRLVDWLR[Tyr186=]ASLQQGLPHS